The following is an entry in ClinVar:

ClinVar aggregate classification (germline): Pathogenic/Likely pathogenic. Review status: criteria provided, multiple submitters, no conflicts (2 of 4 stars). 2 submissions from 2 submitters: Pathogenic (1); Likely pathogenic (1). Last evaluated 2024-04-17.

Conditions:
CFTR-related disorder (CFTR-RD). Also called: CFTR-related disorders; CFTR-related condition. Identifiers: MedGen C5924204, MONDO:7770004.
Cystic fibrosis (CF). Also called: MUCOVISCIDOSIS. Identifiers: Orphanet 586, MedGen C0010674, MONDO:0009061, OMIM 219700. Disease mechanism: loss of function.

Submissions (2):

Natera, Inc.
Classification: Pathogenic for CFTR-related disorders. Last evaluated: 2024-04-17. Review status: criteria provided, single submitter. Criteria: Natera Variant Classification Schema (03/2026). Collection method: clinical testing. Allele origin: germline.
Comment: The c.3587C>A variant in CFTR is a nonsense variant predicted to introduce a stop codon at amino acid 1196. This variant is expected to result in nonsense mediated decay, truncation, or a dysfunctional protein product. This variant is rare in the general population with a frequency below the threshold expected for the associated phenotype(s). This variant has been observed in one or more individuals affected with the associated recessive disease, as either homozygous or compound heterozygous with a second variant (PMID: 26160248, 10922396). Given the available evidence, this variant is classified as Pathogenic.

Myriad Genetics, Inc.
Classification: Likely pathogenic for Cystic fibrosis. Last evaluated: 2019-12-04. Review status: criteria provided, single submitter. Criteria: Myriad Women's Health Autosomal Recessive and X-Linked Classification Criteria (2019). Collection method: clinical testing. Allele origin: unknown.
Comment: NM_000492.3(CFTR):c.3587C>A(S1196*) is expected to be pathogenic in the context of cystic fibrosis. This variant is predicted to lead to an abnormal or absent protein product due to the creation of a premature termination codon in CFTR, a gene where loss-of-function variants are known to be pathogenic. Please note: this variant was assessed in the context of healthy population screening.

Literature cited by the submitters: PubMed 26160248 (cited by Natera, Inc.); PubMed 10922396 (cited by Natera, Inc.).

NM_000492.4(CFTR):c.3587C>A (p.Ser1196Ter)

Genes: CFTR (CF transmembrane conductance regulator; plus strand), CFTR-AS2 (CFTR antisense RNA 2; minus strand). Cytogenetic location: 7q31.2.
Variant type: single nucleotide variant.
Coding change: c.3587C>A on transcript NM_000492.4 (MANE Select); coding-DNA position 3587, C replaced by A.
Protein change: p.Ser1196Ter; replaces serine 1196 with a stop codon.
Molecular consequence: nonsense.
Genome position (GRCh38, 1-based): chr7:117,627,640, C>A. VCF-style: chr7-117627640-C-A. GRCh37 (hg19) VCF-style: chr7-117267694-C-A.
Other names: c.3587C>A (NM_000492.3); short protein forms S1196*.
Identifiers: ClinVar variation 983865 (VCV000983865.4), dbSNP rs121908763, ClinGen allele CA368997066.